The following is an entry in ClinVar:

ClinVar aggregate classification (germline): Likely benign (1 of 4 stars; one submission).

Allele frequency attached by ClinVar (database versions not stated): gnomAD exomes 0.00002; ExAC 0.00004; gnomAD 0.00007; TOPMed 0.00008; ESP Exome Variant Server 0.00009.
gnomAD v4.1: 30 of 1,122,034 alleles (0.0027%); highest among the groups gnomAD compares: Middle Eastern, 0.024%; no homozygotes.

Submission:

CeGaT Center for Human Genetics Tuebingen
Classification: Likely benign. Last evaluated: 2023-11-01. Review status: criteria provided, single submitter. Criteria: CeGaT Center For Human Genetics Tuebingen Variant Classification Criteria Version 2. Collection method: clinical testing. Allele origin: germline. Affected: yes. Observed: 1 variant allele.
Comment: CFAP47: BP4, BS2

NM_001304548.2(CFAP47):c.4916+3A>G

Gene: CFAP47 (cilia and flagella associated protein 47; plus strand). Cytogenetic location: Xp21.1.
Variant type: single nucleotide variant.
Coding change: c.4916+3A>G on transcript NM_001304548.2 (MANE Select); 3 bases into the intron after coding-DNA position 4916, A replaced by G.
Molecular consequence: intron variant.
Genome position (GRCh38, 1-based): chrX:36,085,541, A>G. VCF-style: chrX-36085541-A-G. GRCh37 (hg19) VCF-style: chrX-36103658-A-G.
Identifiers: ClinVar variation 2660264 (VCV002660264.24), dbSNP rs373036287, ClinGen allele CA10382087.
Genomic context (GRCh38, chrX:36,085,541, plus strand): 5'-ATGAAAAAAGGGTAATTCAACTCCATTTGCAACATTCCTCACTTCTGGACTTTCTCAAGT[A>G]AGTGCCTGGATGTGCTCATATAAGCATATAACTCTGGCTTGGATAGTTAGATAAATGAAC-3'